The following is an entry in ClinVar:

NM_020738.4(KIDINS220):c.148A>G (p.Asn50Asp)

Gene: KIDINS220 (kinase D interacting substrate 220; minus strand). Cytogenetic location: 2p25.1.
Variant type: single nucleotide variant.
Coding change: c.148A>G on transcript NM_020738.4 (MANE Select); coding-DNA position 148, A replaced by G.
Protein change: p.Asn50Asp; replaces asparagine 50 with aspartic acid.
Molecular consequence: missense variant. On other transcripts: non-coding transcript variant (2).
Genome position (GRCh38, 1-based): chr2:8,818,754, T>C on the plus strand (A>G on the coding strand, the complement: KIDINS220 is on the minus strand). VCF-style: chr2-8818754-T-C. GRCh37 (hg19) VCF-style: chr2-8958884-T-C.
Other names: c.148A>G (NM_020738.2); c.148A>G, p.Asn50Asp (NM_001348729.2, NM_001348731.2, NM_001348732.2 and 9 more transcripts); c.22A>G, p.Asn8Asp (NM_001348736.2); short protein forms N50D, N8D.
Identifiers: ClinVar variation 1491751 (VCV001491751.8), dbSNP rs1165975662, ClinGen allele CA345774910.

ClinVar aggregate classification (germline): Uncertain significance. Review status: criteria provided, multiple submitters, no conflicts (2 of 4 stars). 2 submissions from 2 submitters: Uncertain significance (2). Last evaluated 2025-02-09.

Conditions:
KIDINS220-related disorder. Also called: KIDINS220-related condition.

Allele frequency attached by ClinVar (database versions not stated): gnomAD exomes below 0.00001; gnomAD 0.00001; TOPMed 0.00002.
gnomAD v4.1: 2 of 1,610,844 alleles (0.00012%); highest among the groups gnomAD compares: Non-Finnish European, 0.00017%; no homozygotes.

Submissions (2):

PreventionGenetics, part of Exact Sciences
Classification: Uncertain significance for KIDINS220-related condition. Last evaluated: 2025-02-09. Review status: criteria provided, single submitter. Criteria: ACMG Guidelines, 2015. Collection method: clinical testing. Allele origin: germline.
Comment: The KIDINS220 c.148A>G variant is predicted to result in the amino acid substitution p.Asn50Asp. To our knowledge, this variant has not been reported in the literature. This variant is reported in 0.00089% of alleles in individuals of European (non-Finnish) descent in gnomAD. At this time, the clinical significance of this variant is uncertain due to the absence of conclusive functional and genetic evidence.

Labcorp Genetics (formerly Invitae), Labcorp
Classification: Uncertain significance. Last evaluated: 2022-08-09. Review status: criteria provided, single submitter. Criteria: Invitae Variant Classification Sherloc (09022015). Collection method: clinical testing. Allele origin: germline.
Comment: Algorithms developed to predict the effect of missense changes on protein structure and function are either unavailable or do not agree on the potential impact of this missense change (SIFT: "Tolerated"; PolyPhen-2: "Possibly Damaging"; Align-GVGD: "Class C0"). ClinVar contains an entry for this variant (Variation ID: 1491751). This variant has not been reported in the literature in individuals affected with KIDINS220-related conditions. This variant is present in population databases (no rsID available, gnomAD 0.0009%). This sequence change replaces asparagine, which is neutral and polar, with aspartic acid, which is acidic and polar, at codon 50 of the KIDINS220 protein (p.Asn50Asp). In summary, the available evidence is currently insufficient to determine the role of this variant in disease. Therefore, it has been classified as a Variant of Uncertain Significance.